The following is an entry in ClinVar:

ClinVar aggregate classification (germline): Uncertain significance. Review status: criteria provided, multiple submitters, no conflicts (2 of 4 stars). 2 submissions from 2 submitters: Uncertain significance (2). Last evaluated 2025-08-24.

Conditions:
Growth hormone insensitivity with immune dysregulation 1, autosomal recessive. Also called: GROWTH HORMONE INSENSITIVITY DUE TO POSTRECEPTOR DEFECT; LARON SYNDROME DUE TO POSTRECEPTOR DEFECT; GROWTH HORMONE INSENSITIVITY SYNDROME WITH IMMUNE DYSREGULATION 1, AUTOSOMAL RECESSIVE; Laron syndrome with immunodeficiency. Identifiers: Orphanet 220465, MedGen C5435698, MONDO:0100211, OMIM 245590.

Allele frequency attached by ClinVar (database versions not stated): ExAC 0.00001; gnomAD exomes 0.00001; gnomAD 0.00005 and 0.00006; TOPMed 0.00005.
gnomAD v4.1: 24 of 1,612,452 alleles (0.0015%); highest among the groups gnomAD compares: African/African-American, 0.029%; 1 homozygote.

Submissions (2):

Labcorp Genetics (formerly Invitae), Labcorp
Classification: Uncertain significance for Growth hormone insensitivity with immune dysregulation 1, autosomal recessive. Last evaluated: 2025-08-24. Review status: criteria provided, single submitter. Criteria: Invitae Variant Classification Sherloc (09022015). Collection method: clinical testing. Allele origin: germline.
Comment: This sequence change replaces isoleucine, which is neutral and non-polar, with leucine, which is neutral and non-polar, at codon 782 of the STAT5B protein (p.Ile782Leu). This variant is present in population databases (rs777230664, gnomAD 0.02%). This variant has not been reported in the literature in individuals affected with STAT5B-related conditions. ClinVar contains an entry for this variant (Variation ID: 844084). An algorithm developed to predict the effect of missense changes on protein structure and function (PolyPhen-2) suggests that this variant is likely to be tolerated. In summary, the available evidence is currently insufficient to determine the role of this variant in disease. Therefore, it has been classified as a Variant of Uncertain Significance.

Blueprint Genetics
Classification: Uncertain significance. Last evaluated: 2024-06-10. Review status: criteria provided, single submitter. Criteria: ACMG Guidelines, 2015. Collection method: clinical testing. Allele origin: germline.

NM_012448.4(STAT5B):c.2344A>C (p.Ile782Leu)

Gene: STAT5B (signal transducer and activator of transcription 5B; minus strand). Cytogenetic location: 17q21.2.
Variant type: single nucleotide variant.
Coding change: c.2344A>C on transcript NM_012448.4 (MANE Select); coding-DNA position 2344, A replaced by C.
Protein change: p.Ile782Leu; replaces isoleucine 782 with leucine.
Molecular consequence: missense variant.
Genome position (GRCh38, 1-based): chr17:42,201,758, T>G on the plus strand (A>C on the coding strand, the complement: STAT5B is on the minus strand). VCF-style: chr17-42201758-T-G. GRCh37 (hg19) VCF-style: chr17-40353776-T-G.
Other names: short protein forms I782L.
Identifiers: ClinVar variation 844084 (VCV000844084.11), dbSNP rs777230664, ClinGen allele CA8573794.